The following is an entry in ClinVar:

ClinVar aggregate classification (germline): Pathogenic (1 of 4 stars; one submission).

Conditions:
Hereditary spastic paraplegia 48. Also called: SPASTIC PARAPLEGIA 48, AUTOSOMAL RECESSIVE; Spastic paraplegia 48. Identifiers: Orphanet 306511, MedGen C3150901, MONDO:0013342, OMIM 613647.

Submission:

Labcorp Genetics (formerly Invitae), Labcorp
Classification: Pathogenic for Hereditary spastic paraplegia 48. Last evaluated: 2022-06-20. Review status: criteria provided, single submitter. Criteria: Invitae Variant Classification Sherloc (09022015). Collection method: clinical testing. Allele origin: germline.
Comment: For these reasons, this variant has been classified as Pathogenic. Algorithms developed to predict the effect of sequence changes on RNA splicing suggest that this variant may create or strengthen a splice site. This variant has not been reported in the literature in individuals affected with AP5Z1-related conditions. This variant is not present in population databases (gnomAD no frequency). This sequence change creates a premature translational stop signal (p.Pro694*) in the AP5Z1 gene. It is expected to result in an absent or disrupted protein product. Loss-of-function variants in AP5Z1 are known to be pathogenic (PMID: 20613862, 27606357).

Literature cited by the submitters: PubMed 20613862; PubMed 27606357.

NM_014855.3(AP5Z1):c.2079_2100del (p.Cys693_Pro694insTer)

Gene: AP5Z1 (adaptor related protein complex 5 subunit zeta 1; plus strand). Cytogenetic location: 7p22.1.
Variant type: Deletion.
Coding change: c.2079_2100del on transcript NM_014855.3 (MANE Select); coding-DNA positions 2079 to 2100, 22 bases deleted (TCCCCCCCAGGTGGTCACCGTG).
Protein change: p.Cys693_Pro694insTer.
Molecular consequence: frameshift variant. On other transcripts: non-coding transcript variant (1).
Genome position (GRCh38, 1-based): chr7:4,790,813-4,790,834, TCCCCCCCAGGTGGTCACCGTG deleted; deleting any 22 consecutive bases within chr7:4,790,810-4,790,834 gives the same sequence; the c. name uses the placement nearest the transcript's 3' end. VCF-style (leftmost placement, unchanged base first): chr7-4790809-GGTGTCCCCCCCAGGTGGTCACC-G. GRCh37 (hg19) VCF-style: chr7-4830440-GGTGTCCCCCCCAGGTGGTCACC-G.
Other names: c.1611_1632del, p.Cys537_Pro538insTer (NM_001364858.1).
Identifiers: ClinVar variation 1366715 (VCV001366715.6), dbSNP rs2115129514, ClinGen allele CA2573141914.